The following is an entry in ClinVar:

ClinVar aggregate classification (germline): Uncertain significance (1 of 4 stars; one submission).

Submission:

GeneDx
Classification: Uncertain significance. Last evaluated: 2019-11-25. Review status: criteria provided, single submitter. Criteria: GeneDx Variant Classification Process June 2021. Collection method: clinical testing. Allele origin: germline. Affected: yes.
Comment: Not observed in large population cohorts (Lek et al., 2016); The majority of missense variants in this gene are considered pathogenic (Stenson et al., 2014); In silico analysis, which includes protein predictors and evolutionary conservation, supports that this variant does not alter protein structure/function; Has not been previously published as pathogenic or benign to our knowledge

NM_001101.5(ACTB):c.673C>G (p.Gln225Glu)

Gene: ACTB (actin beta; minus strand). Cytogenetic location: 7p22.1.
Variant type: single nucleotide variant.
Coding change: c.673C>G on transcript NM_001101.5 (MANE Select); coding-DNA position 673, C replaced by G.
Protein change: p.Gln225Glu; replaces glutamine 225 with glutamic acid.
Molecular consequence: missense variant.
Genome position (GRCh38, 1-based): chr7:5,528,410, G>C on the plus strand (C>G on the coding strand, the complement: ACTB is on the minus strand). VCF-style: chr7-5528410-G-C. GRCh37 (hg19) VCF-style: chr7-5568041-G-C.
Other names: short protein forms Q225E.
Identifiers: ClinVar variation 1310267 (VCV001310267.2), dbSNP rs1784811545, ClinGen allele CA366702168.